The following is an entry in ClinVar:

ClinVar aggregate classification (germline): Uncertain significance (1 of 4 stars; one submission).

Conditions:
Hereditary cancer-predisposing syndrome. Also called: Neoplastic Syndromes, Hereditary; Hereditary Cancer Syndrome; Tumor predisposition; Hereditary neoplastic syndrome. Identifiers: Orphanet 140162, MedGen C0027672, MeSH D009386, MONDO:0015356.

Submission:

Ambry Genetics
Classification: Uncertain significance for Hereditary cancer-predisposing syndrome. Last evaluated: 2025-02-22. Review status: criteria provided, single submitter. Criteria: Ambry Variant Classification Scheme 2023. Collection method: clinical testing. Allele origin: germline.
Comment: The p.N2057D variant (also known as c.6169A>G), located in coding exon 45 of the POLE gene, results from an A to G substitution at nucleotide position 6169. The asparagine at codon 2057 is replaced by aspartic acid, an amino acid with highly similar properties. This amino acid position is conserved. In addition, this alteration is predicted to be tolerated by in silico analysis. Based on the available evidence, the clinical significance of this variant remains unclear.

NM_006231.4(POLE):c.6169A>G (p.Asn2057Asp)

Gene: POLE (DNA polymerase epsilon, catalytic subunit; minus strand). Cytogenetic location: 12q24.33.
Variant type: single nucleotide variant.
Coding change: c.6169A>G on transcript NM_006231.4 (MANE Select); coding-DNA position 6169, A replaced by G.
Protein change: p.Asn2057Asp; replaces asparagine 2057 with aspartic acid.
Molecular consequence: missense variant.
Genome position (GRCh38, 1-based): chr12:132,632,476, T>C on the plus strand (A>G on the coding strand, the complement: POLE is on the minus strand). VCF-style: chr12-132632476-T-C. GRCh37 (hg19) VCF-style: chr12-133209062-T-C.
Other names: short protein forms N2057D.
Identifiers: ClinVar variation 3781595 (VCV003781595.1).
Genomic context (GRCh38, chr12:132,632,476, plus strand): 5'-AGCCTGTGACTTTCTTCTGAATCTTCTGAGTGATGGTGAAGAAGCTCTGAGTGAGCTCAT[T>C]TGCGACATAATCCTGAGAGAAGGTGATCATTCCTGGAAGTATAAGGATGCTGAGGGAGGG-3'
Protein context (NP_006222.2, residues 2047-2067): MITFSQDYVA[Asn2057Asp]ELTQSFFTIT